The following is an entry in ClinVar:

NM_014874.4(MFN2):c.2227A>G (p.Ser743Gly)

Gene: MFN2 (mitofusin 2; plus strand). Cytogenetic location: 1p36.22.
Variant type: single nucleotide variant.
Coding change: c.2227A>G on transcript NM_014874.4 (MANE Select); coding-DNA position 2227, A replaced by G.
Protein change: p.Ser743Gly; replaces serine 743 with glycine.
Molecular consequence: missense variant.
Genome position (GRCh38, 1-based): chr1:12,011,518, A>G. VCF-style: chr1-12011518-A-G. GRCh37 (hg19) VCF-style: chr1-12071575-A-G.
Other names: c.2227A>G, p.Ser743Gly (NM_001127660.2); short protein forms S743G.
Identifiers: ClinVar variation 1306464 (VCV001306464.7), dbSNP rs1553146561, ClinGen allele CA338453936.

ClinVar aggregate classification (germline): Uncertain significance. Review status: criteria provided, multiple submitters, no conflicts (2 of 4 stars). 2 submissions from 2 submitters: Uncertain significance (2). Last evaluated 2021-08-17.

Conditions:
Charcot-Marie-Tooth disease type 2. Also called: Charcot-Marie-Tooth type 2. Identifiers: Orphanet 64746, MedGen C0270914, MONDO:0018993.

Allele frequency attached by ClinVar (database versions not stated): gnomAD exomes below 0.00001.
gnomAD v4.1: 1 of 1,614,198 alleles (0.000062%); highest among the groups gnomAD compares: South Asian, 0.0011%; no homozygotes.

Submissions (2):

Labcorp Genetics (formerly Invitae), Labcorp
Classification: Uncertain significance for Charcot-Marie-Tooth disease type 2. Last evaluated: 2021-08-17. Review status: criteria provided, single submitter. Criteria: Invitae Variant Classification Sherloc (09022015). Collection method: clinical testing. Allele origin: germline.
Comment: In summary, the available evidence is currently insufficient to determine the role of this variant in disease. Therefore, it has been classified as a Variant of Uncertain Significance. This variant disrupts the p.Ser743 amino acid residue in MFN2. Other variant(s) that disrupt this residue have been observed in individuals with MFN2-related conditions (PMID: 24957169), which suggests that this may be a clinically significant amino acid residue. Algorithms developed to predict the effect of sequence changes on RNA splicing suggest that this variant may create or strengthen a splice site. Algorithms developed to predict the effect of missense changes on protein structure and function are either unavailable or do not agree on the potential impact of this missense change (SIFT: "Tolerated"; PolyPhen-2: "Probably Damaging"; Align-GVGD: "Class C0"). This variant has not been reported in the literature in individuals affected with MFN2-related conditions. This variant is not present in population databases (ExAC no frequency). This sequence change replaces serine with glycine at codon 743 of the MFN2 protein (p.Ser743Gly). The serine residue is highly conserved and there is a small physicochemical difference between serine and glycine.

GeneDx
Classification: Uncertain significance. Last evaluated: 2019-07-03. Review status: criteria provided, single submitter. Criteria: GeneDx Variant Classification Process June 2021. Collection method: clinical testing. Allele origin: germline. Affected: yes.
Comment: Not observed in large population cohorts (Lek et al., 2016); In silico analysis, which includes protein predictors and evolutionary conservation, supports that this variant does not alter protein structure/function; Has not been previously published as pathogenic or benign to our knowledge; Missense variants in nearby residues reported in the Human Gene Mutation Database in individuals with Charcot-Marie-Tooth disease (Stenson et al., 2014; Bombelli et al., 2014)

Literature cited by the submitters: PubMed 24957169 (cited by Labcorp Genetics (formerly Invitae), Labcorp).